The following is an entry in ClinVar:

ClinVar aggregate classification (germline): Likely pathogenic (1 of 4 stars; one submission).

Conditions:
Congenital lactic acidosis, Saguenay-Lac-Saint-Jean type (MC4DN5). Also called: CYTOCHROME c OXIDASE DEFICIENCY, FRENCH CANADIAN TYPE; COX DEFICIENCY, FRENCH CANADIAN TYPE; MITOCHONDRIAL COMPLEX IV DEFICIENCY, NUCLEAR TYPE 5. Identifiers: Orphanet 70472, MedGen C1857355, MONDO:0009069, OMIM 220111.

Submission:

Myriad Genetics, Inc.
Classification: Likely pathogenic for Congenital lactic acidosis, Saguenay-Lac-Saint-Jean type. Last evaluated: 2021-11-13. Review status: criteria provided, single submitter. Criteria: Myriad Women's Health Autosomal Recessive and X-Linked Classification Criteria (2021). Collection method: clinical testing. Allele origin: unknown.
Comment: NM_133259.3(LRPPRC):c.2632dupA(M878Nfs*10) is expected to be pathogenic in the context of Leigh syndrome, French-Canadian type. This variant is predicted to lead to an abnormal or absent protein product due to the creation of a premature termination codon in LRPPRC, a gene where loss-of-function variants are known to be pathogenic. Please note: this variant was assessed in the context of healthy population screening.

NM_133259.4(LRPPRC):c.2632dup (p.Met878fs)

Gene: LRPPRC (leucine rich pentatricopeptide repeat containing; minus strand). Cytogenetic location: 2p21.
Variant type: Duplication.
Coding change: c.2632dup on transcript NM_133259.4 (MANE Select); coding-DNA position 2632, one base duplicated (A; older notation c.2632dupA).
Protein change: p.Met878fs; shifts the reading frame from methionine 878.
Molecular consequence: frameshift variant.
Genome position (GRCh38, 1-based): chr2:43,934,294, T duplicated on the plus strand (A on the coding strand, the reverse complement: LRPPRC is on the minus strand); the first of 2 consecutive T bases (chr2:43,934,294-43,934,295); duplicating either gives the same sequence. VCF-style (leftmost placement, unchanged base first): chr2-43934293-A-AT. GRCh37 (hg19) VCF-style: chr2-44161432-A-AT.
Other names: short protein forms M878fs.
Identifiers: ClinVar variation 1724461 (VCV001724461.3), dbSNP rs2466522962, ClinGen allele CA2576954315.